The following is an entry in ClinVar:

NM_000138.5(FBN1):c.6594C>T (p.Pro2198=)

Gene: FBN1 (fibrillin 1; minus strand). Cytogenetic location: 15q21.1.
Variant type: single nucleotide variant.
Coding change: c.6594C>T on transcript NM_000138.5 (MANE Select); coding-DNA position 6594, C replaced by T.
Protein change: p.Pro2198=; no amino-acid change (proline 2198 retained).
Molecular consequence: synonymous variant.
Genome position (GRCh38, 1-based): chr15:48,434,616, G>A on the plus strand (C>T on the coding strand, the complement: FBN1 is on the minus strand). VCF-style: chr15-48434616-G-A. GRCh37 (hg19) VCF-style: chr15-48726813-G-A.
Other names: p.P2198P:CCC>CCT; p.Pro2198=.
Identifiers: ClinVar variation 36103 (VCV000036103.83), dbSNP rs111844882, ClinGen allele CA016560.

ClinVar aggregate classification (germline): Benign/Likely benign. Review status: criteria provided, multiple submitters, no conflicts (2 of 4 stars). 29 submissions from 22 submitters: Benign (18); Likely benign (7). 4 of the submissions do not count toward it. Last evaluated 2026-09-01.

Conditions:
Connective tissue disorder. Also called: Connective tissue disease. Identifiers: MedGen C0009782, MONDO:0003900.
Geleophysic dysplasia. Identifiers: Orphanet 2623, MedGen C3489726, MONDO:0000127.
Weill-Marchesani syndrome. Also called: WM Syndrome; Mesodermal dysmorphodystrophy congenital. Identifiers: Orphanet 3449, MedGen C0265313, MONDO:0018096.
Familial thoracic aortic aneurysm and aortic dissection (TAAD). Also called: Thoracic aortic aneurysms and dissections. Identifiers: Orphanet 91387, MedGen C4707243, MONDO:0019625.
Marfan syndrome (MFS). Also called: Marfan syndrome, classic; FBN1-Related Marfan Syndrome; Marfan syndrome type 1; Marfan's syndrome; MARFAN SYNDROME, TYPE I. Identifiers: Orphanet 284963, Orphanet 558, MedGen C0024796, MONDO:0007947, OMIM 154700.
Acromicric dysplasia (ACMICD). Also called: Acromicric skeletal dysplasia. Identifiers: Orphanet 969, MedGen C0265287, MONDO:0007055, OMIM 102370.
Stiff skin syndrome (SSKS). Identifiers: Orphanet 2833, MedGen C1861456, MONDO:0008492, OMIM 184900.
Ectopia lentis 1, isolated, autosomal dominant (ECTOL1). Identifiers: Orphanet 1885, MedGen C3541518, MONDO:0007514, OMIM 129600.

Allele frequency attached by ClinVar (database versions not stated): 1000 Genomes Project 30x 0.00187; 1000 Genomes Project 0.00200; TOPMed 0.00404; ESP Exome Variant Server 0.00531; gnomAD exomes 0.00340; gnomAD 0.00426 and 0.00439; ExAC 0.00289.
gnomAD v4.1: 10,333 of 1,613,672 alleles (0.64%); highest among the groups gnomAD compares: Non-Finnish European, 0.79%; 40 homozygotes.

Submissions (29):

CeGaT Center for Human Genetics Tuebingen
Classification: Benign. Last evaluated: 2026-09-01. Review status: criteria provided, single submitter. Criteria: CeGaT Center For Human Genetics Tuebingen Variant Classification Criteria Version 2. Collection method: clinical testing. Allele origin: germline. Affected: yes. Observed: 53 variant alleles.
Comment: FBN1: BP4, BP7, BS1, BS2

Labcorp Genetics (formerly Invitae), Labcorp
Classification: Benign for Marfan syndrome; Familial thoracic aortic aneurysm and aortic dissection. Last evaluated: 2026-02-03. Review status: criteria provided, single submitter. Criteria: Invitae Variant Classification Sherloc (09022015). Collection method: clinical testing. Allele origin: germline.

ARUP Laboratories, Molecular Genetics and Genomics, ARUP Laboratories
Classification: Benign. Last evaluated: 2025-07-29. Review status: criteria provided, single submitter. Criteria: ARUP Molecular Germline Variant Investigation Process 2024. Collection method: clinical testing. Allele origin: germline.

Molecular Diagnostic Laboratory for Inherited Cardiovascular Disease, Montreal Heart Institute
Classification: Benign. Last evaluated: 2025-04-09. Review status: criteria provided, single submitter. Criteria: ACMG Guidelines, 2015. Collection method: clinical testing. Allele origin: germline. Affected: no.

Blueprint Genetics
Classification: Likely benign. Last evaluated: 2024-11-25. Review status: criteria provided, single submitter. Criteria: ACMG Guidelines, 2015. Collection method: clinical testing. Allele origin: germline.

Cohesion Phenomics
Classification: Likely benign for Marfan syndrome. Last evaluated: 2022-09-23. Review status: criteria provided, single submitter. Criteria: ACMG Guidelines, 2015. Collection method: clinical testing. Allele origin: germline. Affected: yes.

Genome Diagnostics Laboratory, The Hospital for Sick Children
Classification: Benign for Connective tissue disorder. Last evaluated: 2021-12-20. Review status: criteria provided, single submitter. Criteria: ACMG Guidelines, 2015. Collection method: clinical testing. Allele origin: germline.

Center for Human Genetics, Inc
Classification: Likely benign for Marfan syndrome. Last evaluated: 2018-06-01. Review status: criteria provided, single submitter. Criteria: ACMG Guidelines, 2015. Collection method: clinical testing. Allele origin: germline. Affected: yes.

Color Diagnostics, LLC DBA Color Health
Classification: Benign for Familial thoracic aortic aneurysm and aortic dissection. Last evaluated: 2018-03-08. Review status: criteria provided, single submitter. Criteria: ACMG Guidelines, 2015. Collection method: clinical testing. Allele origin: germline.

Illumina Laboratory Services, Illumina
Classification: Benign for Acromicric dysplasia. Last evaluated: 2018-01-12. Review status: criteria provided, single submitter. Criteria: ICSL Variant Classification Criteria 13 December 2019. Collection method: clinical testing. Allele origin: germline.
Comment: This variant was observed in the ICSL laboratory as part of a predisposition screen in an ostensibly healthy population. It had not been previously curated by ICSL or reported in the Human Gene Mutation Database (HGMD: prior to June 1st, 2018), and was therefore a candidate for classification through an automated scoring system. Utilizing variant allele frequency, disease prevalence and penetrance estimates, and inheritance mode, an automated score was calculated to assess if this variant is too frequent to cause the disease. Based on the score and internal cut-off values, a variant classified as benign is not then subjected to further curation. The score for this variant resulted in a classification of benign for this disease.

Illumina Laboratory Services, Illumina
Classification: Benign for Marfan syndrome. Last evaluated: 2018-01-12. Review status: criteria provided, single submitter. Criteria: ICSL Variant Classification Criteria 13 December 2019. Collection method: clinical testing. Allele origin: germline.
Comment: the same text as in the submission from Illumina Laboratory Services, Illumina above.

Illumina Laboratory Services, Illumina
Classification: Benign for Ectopia lentis 1, isolated, autosomal dominant. Last evaluated: 2018-01-12. Review status: criteria provided, single submitter. Criteria: ICSL Variant Classification Criteria 13 December 2019. Collection method: clinical testing. Allele origin: germline.
Comment: the same text as in the submission from Illumina Laboratory Services, Illumina above.

Illumina Laboratory Services, Illumina
Classification: Benign for Geleophysic dysplasia. Last evaluated: 2018-01-12. Review status: criteria provided, single submitter. Criteria: ICSL Variant Classification Criteria 13 December 2019. Collection method: clinical testing. Allele origin: germline.
Comment: the same text as in the submission from Illumina Laboratory Services, Illumina above.

Illumina Laboratory Services, Illumina
Classification: Benign for Stiff skin syndrome. Last evaluated: 2018-01-12. Review status: criteria provided, single submitter. Criteria: ICSL Variant Classification Criteria 13 December 2019. Collection method: clinical testing. Allele origin: germline.
Comment: the same text as in the submission from Illumina Laboratory Services, Illumina above.

Illumina Laboratory Services, Illumina
Classification: Benign for Weill-Marchesani syndrome. Last evaluated: 2018-01-12. Review status: criteria provided, single submitter. Criteria: ICSL Variant Classification Criteria 13 December 2019. Collection method: clinical testing. Allele origin: germline.
Comment: the same text as in the submission from Illumina Laboratory Services, Illumina above.

Illumina Laboratory Services, Illumina
Classification: Likely benign for Familial thoracic aortic aneurysm and aortic dissection. Last evaluated: 2018-01-12. Review status: criteria provided, single submitter. Criteria: ICSL Variant Classification Criteria 13 December 2019. Collection method: clinical testing. Allele origin: germline.
Comment: This variant was observed in the ICSL laboratory as part of a predisposition screen in an ostensibly healthy population. It had not been previously curated by ICSL or reported in the Human Gene Mutation Database (HGMD: prior to June 1st, 2018), and was therefore a candidate for classification through an automated scoring system. Utilizing variant allele frequency, disease prevalence and penetrance estimates, and inheritance mode, an automated score was calculated to assess if this variant is too frequent to cause the disease. Based on the score and internal cut-off values, a variant classified as likely benign is not then subjected to further curation. The score for this variant resulted in a classification of likely benign for this disease.

Center for Human Genetics, Inc
Classification: Likely benign for Connective tissue disorder. Last evaluated: 2016-11-01. Review status: criteria provided, single submitter. Criteria: ACMG Guidelines, 2015. Collection method: clinical testing. Allele origin: germline. Affected: yes.

Eurofins Ntd Llc (ga)
Classification: Benign. Last evaluated: 2016-07-12. Review status: criteria provided, single submitter. Criteria: EGL Classification Definitions 2015. Collection method: clinical testing. Allele origin: germline. Observed: 1 variant allele, 1 heterozygote.

Mayo Clinic Laboratories, Mayo Clinic
Classification: Benign. Last evaluated: 2016-03-03. Review status: criteria provided, single submitter. Criteria: ACMG Guidelines, 2015. Collection method: clinical testing. Allele origin: germline. Observed: 23 variant alleles.

CHEO Genetics Diagnostic Laboratory, Children's Hospital of Eastern Ontario
Classification: Benign for Familial thoracic aortic aneurysm and aortic dissection. Last evaluated: 2016-02-24. Review status: criteria provided, single submitter. Criteria: ACMG Guidelines, 2015. Collection method: clinical testing. Allele origin: germline. Study: Canadian Open Genetics Repository.

Ambry Genetics
Classification: Likely benign for Familial thoracic aortic aneurysm and aortic dissection. Last evaluated: 2014-08-26. Review status: criteria provided, single submitter. Criteria: Ambry Variant Classification Scheme 2023. Collection method: clinical testing. Allele origin: germline.

GeneDx
Classification: Benign. Last evaluated: 2013-06-22. Review status: criteria provided, single submitter. Criteria: GeneDx Variant Classification (06012015). Collection method: clinical testing. Allele origin: germline. Affected: yes.
Comment: This variant is considered likely benign or benign based on one or more of the following criteria: it is a conservative change, it occurs at a poorly conserved position in the protein, it is predicted to be benign by multiple in silico algorithms, and/or has population frequency not consistent with disease.

Laboratory for Molecular Medicine, Mass General Brigham Personalized Medicine
Classification: Benign. Last evaluated: 2007-11-07. Review status: criteria provided, single submitter. Criteria: LMM Criteria. Collection method: clinical testing. Allele origin: germline. Observed: 16 variant alleles.

Breakthrough Genomics
Classification: Likely benign. Review status: criteria provided, single submitter. Criteria: ACMG Guidelines, 2015. Collection method: not provided. Allele origin: germline. Inheritance: Autosomal dominant inheritance. Affected: yes.

PreventionGenetics, part of Exact Sciences
Classification: Benign. Review status: criteria provided, single submitter. Criteria: ACMG Guidelines, 2015. Collection method: clinical testing. Allele origin: germline.

Women's Health and Genetics/Laboratory Corporation of America, LabCorp
Classification: Benign for Marfan's syndrome. Last evaluated: 2012-02-03. Review status: no assertion criteria provided. Collection method: clinical testing. Allele origin: germline. Not counted in ClinVar's aggregate classification.

Clinical Genetics DNA and cytogenetics Diagnostics Lab, Erasmus MC, Erasmus Medical Center
Classification: Likely benign. Review status: no assertion criteria provided. Collection method: clinical testing. Allele origin: germline. Affected: yes. Study: VKGL Data-share Consensus. Not counted in ClinVar's aggregate classification.

Genome Diagnostics Laboratory, Amsterdam University Medical Center
Classification: Benign. Review status: no assertion criteria provided. Collection method: clinical testing. Allele origin: germline. Affected: yes. Study: VKGL Data-share Consensus. Not counted in ClinVar's aggregate classification.

Joint Genome Diagnostic Labs from Nijmegen and Maastricht, Radboudumc and MUMC+
Classification: Likely benign. Review status: no assertion criteria provided. Collection method: clinical testing. Allele origin: germline. Affected: yes. Study: VKGL Data-share Consensus. Not counted in ClinVar's aggregate classification.